The following is an entry in ClinVar:

NM_024741.3(ZNF408):c.1334C>T (p.Ala445Val)

Gene: ZNF408 (zinc finger protein 408; plus strand). Cytogenetic location: 11p11.2.
Variant type: single nucleotide variant.
Coding change: c.1334C>T on transcript NM_024741.3 (MANE Select); coding-DNA position 1334, C replaced by T.
Protein change: p.Ala445Val; replaces alanine 445 with valine.
Molecular consequence: missense variant.
Genome position (GRCh38, 1-based): chr11:46,705,034, C>T. VCF-style: chr11-46705034-C-T. GRCh37 (hg19) VCF-style: chr11-46726584-C-T.
Other names: c.1310C>T, p.Ala437Val (NM_001184751.2); short protein forms A445V, A437V.
Identifiers: ClinVar variation 845915 (VCV000845915.10), dbSNP rs775300183, ClinGen allele CA380255738.

ClinVar aggregate classification (germline): Uncertain significance (1 of 4 stars; one submission).

Submission:

Labcorp Genetics (formerly Invitae), Labcorp
Classification: Uncertain significance. Last evaluated: 2019-12-30. Review status: criteria provided, single submitter. Criteria: Invitae Variant Classification Sherloc (09022015). Collection method: clinical testing. Allele origin: germline.
Comment: This variant is not present in population databases (ExAC no frequency). In summary, the available evidence is currently insufficient to determine the role of this variant in disease. Therefore, it has been classified as a Variant of Uncertain Significance. Algorithms developed to predict the effect of sequence changes on RNA splicing suggest that this variant may create or strengthen a splice site, but this prediction has not been confirmed by published transcriptional studies. Algorithms developed to predict the effect of missense changes on protein structure and function are either unavailable or do not agree on the potential impact of this missense change (SIFT: "Deleterious"; PolyPhen-2: "Possibly Damaging"; Align-GVGD: "Class C0"). This variant has not been reported in the literature in individuals with ZNF408-related conditions. This sequence change replaces alanine with valine at codon 445 of the ZNF408 protein (p.Ala445Val). The alanine residue is highly conserved and there is a small physicochemical difference between alanine and valine.